The following is an entry in ClinVar:

ClinVar aggregate classification (germline): Likely benign (1 of 4 stars; one submission).

Conditions:
LEPR-related disorder. Also called: LEPR-related disorders; LEPR-related condition.

gnomAD v4.1: 2 of 1,613,412 alleles (0.00012%); highest among the groups gnomAD compares: South Asian, 0.0011%; no homozygotes.

Submission:

PreventionGenetics, part of Exact Sciences
Classification: Likely benign for LEPR-related condition. Last evaluated: 2025-04-05. Review status: criteria provided, single submitter. Criteria: ACMG Guidelines, 2015. Collection method: clinical testing. Allele origin: germline.
Comment: This variant is classified as likely benign based on ACMG/AMP sequence variant interpretation guidelines (Richards et al. 2015 PMID: 25741868, with internal and published modifications).

NM_002303.6(LEPR):c.2673+6T>C

Gene: LEPR (leptin receptor; plus strand). Cytogenetic location: 1p31.3.
Variant type: single nucleotide variant.
Coding change: c.2673+6T>C on transcript NM_002303.6 (MANE Select); 6 bases into the intron after coding-DNA position 2673, T replaced by C.
Molecular consequence: intron variant.
Genome position (GRCh38, 1-based): chr1:65,622,987, T>C. VCF-style: chr1-65622987-T-C. GRCh37 (hg19) VCF-style: chr1-66088670-T-C.
Other names: c.2673+6T>C (NM_001003679.3, NM_001003680.3, NM_001198689.2 and 2 more transcripts).
Identifiers: ClinVar variation 4996891 (VCV004996891.1).
Genomic context (GRCh38, chr1:65,622,987, plus strand): 5'-AGATGTTCCGAACCCCAAGAATTGTTCCTGGGCACAAGGACTTAATTTTCAGAAGGTTGC[T>C]TTTTCAATTTTTTTTAACCCAGAATATATACGATTGCAATCTAGACGCCATATGACTTAT-3'